The following is an entry in ClinVar:

ClinVar aggregate classification (germline): Pathogenic (1 of 4 stars; one submission).

Conditions:
Hereditary cancer-predisposing syndrome. Also called: Tumor predisposition; Hereditary Cancer Syndrome; Hereditary neoplastic syndrome; Neoplastic Syndromes, Hereditary. Identifiers: Orphanet 140162, MedGen C0027672, MeSH D009386, MONDO:0015356.

Submission:

GeneDx
Classification: Pathogenic for Neoplastic Syndromes, Hereditary. Last evaluated: 2013-10-30. Review status: criteria provided, single submitter. Criteria: GeneDx Variant Classification (06012015). Collection method: clinical testing. Allele origin: germline. Affected: yes.
Comment: The CDKN2A c.206_229delinsCAG mutation causes an in-frame deletion of nine amino acids starting with Glutamic Acid 69 and ending with Threonine 77 and the insertion of two Alanine residues, denoted p.Glu69_Thr77delinsAlaAla. This in-frame deletion and insertion is expected to disrupt the protein structure and/or function. Although this mutation has not been previously reported to our knowledge, its presence is consistent with a risk to develop features of familial cutaneous malignant melanoma. This variant has been observed to be inherited. The variant is found in CDKN2A panel(s).

NM_000077.4:c.206_229delAGCCCAACTGCGCCGACCCCGinsCAG

Gene: CDKN2A (cyclin dependent kinase inhibitor 2A; minus strand). Cytogenetic location: 9p21.3.
Variant type: Insertion.
Identifiers: ClinVar variation 182410 (VCV000182410.2).